The following is an entry in ClinVar:

ClinVar aggregate classification (germline): Pathogenic (1 of 4 stars; one submission).

Conditions:
Hereditary cancer-predisposing syndrome. Also called: Tumor predisposition; Hereditary neoplastic syndrome; Neoplastic Syndromes, Hereditary; Hereditary Cancer Syndrome. Identifiers: Orphanet 140162, MedGen C0027672, MeSH D009386, MONDO:0015356.

Submission:

Ambry Genetics
Classification: Pathogenic for Hereditary cancer-predisposing syndrome. Last evaluated: 2025-05-14. Review status: criteria provided, single submitter. Criteria: Ambry Variant Classification Scheme 2023. Collection method: clinical testing. Allele origin: germline.
Comment: The c.968delG pathogenic mutation, located in coding exon 4 of the BARD1 gene, results from a deletion of one nucleotide at nucleotide position 968, causing a translational frameshift with a predicted alternate stop codon (p.G323Afs*19). This variant is considered to be rare based on population cohorts in the Genome Aggregation Database (gnomAD). This alteration is expected to result in loss of function by premature protein truncation or nonsense-mediated mRNA decay. As such, this alteration is interpreted as a disease-causing mutation.

NM_000465.4(BARD1):c.968del (p.Gly323fs)

Gene: BARD1 (BRCA1 associated RING domain 1; minus strand). Cytogenetic location: 2q35.
Variant type: Deletion.
Coding change: c.968del on transcript NM_000465.4 (MANE Select); coding-DNA position 968, one base deleted (G; older notation c.968delG).
Protein change: p.Gly323fs; shifts the reading frame from glycine 323.
Molecular consequence: frameshift variant. On other transcripts: non-coding transcript variant (2), intron variant (3).
Genome position (GRCh38, 1-based): chr2:214,780,906, C deleted on the plus strand (G on the coding strand, the reverse complement: BARD1 is on the minus strand); the first of 2 consecutive C bases (chr2:214,780,906-214,780,907); deleting either gives the same sequence. VCF-style (leftmost placement, unchanged base first): chr2-214780905-GC-G. GRCh37 (hg19) VCF-style: chr2-215645629-GC-G.
Other names: c.911del, p.Gly304fs (NM_001282543.2); c.159-28351del (NM_001282548.2); c.215+16155del (NM_001282545.2); c.364+11391del (NM_001282549.2); short protein forms G304fs, G323fs.
Identifiers: ClinVar variation 3988448 (VCV003988448.1).